The following is an entry in ClinVar:

ClinVar aggregate classification (germline): Conflicting classifications of pathogenicity. Review status: criteria provided, conflicting classifications (1 of 4 stars). 3 submissions from 3 submitters: Uncertain significance (1); Likely benign (1). 1 of the submissions does not count toward it. Last evaluated 2024-10-30.

Conditions:
NPR2-related disorder. Also called: NPR2-related disorders; NPR2-related condition.
Tall stature-scoliosis-macrodactyly of the great toes syndrome. Also called: Epiphyseal chondrodysplasia, miura type. Identifiers: Orphanet 329191, MedGen C4014690, MONDO:0014401, OMIM 615923.
Acromesomelic dysplasia 1, Maroteaux type (AMD1). Also called: ACROMESOMELIC DYSPLASIA 1; ST. HELENA DYSPLASIA. Identifiers: Orphanet 40, MedGen C1864356, MONDO:0011275, OMIM 602875.

Allele frequency attached by ClinVar (database versions not stated): gnomAD 0.00003; TOPMed 0.00004.

Submissions (3):

Labcorp Genetics (formerly Invitae), Labcorp
Classification: Likely benign for Tall stature-scoliosis-macrodactyly of the great toes syndrome; Acromesomelic dysplasia 1, Maroteaux type. Last evaluated: 2024-10-30. Review status: criteria provided, single submitter. Criteria: Invitae Variant Classification Sherloc (09022015). Collection method: clinical testing. Allele origin: germline.

Illumina Laboratory Services, Illumina
Classification: Uncertain significance for Acromesomelic dysplasia 1, Maroteaux type. Last evaluated: 2018-01-12. Review status: criteria provided, single submitter. Criteria: ICSL Variant Classification Criteria 13 December 2019. Collection method: clinical testing. Allele origin: germline.

PreventionGenetics, part of Exact Sciences
Classification: Likely benign for NPR2-related condition. Last evaluated: 2024-02-22. Review status: no assertion criteria provided. Collection method: clinical testing. Allele origin: germline. Not counted in ClinVar's aggregate classification.
Comment: This variant is classified as likely benign based on ACMG/AMP sequence variant interpretation guidelines (Richards et al. 2015 PMID: 25741868, with internal and published modifications).

NM_003995.4(NPR2):c.1644C>T (p.Val548=)

Gene: NPR2 (natriuretic peptide receptor 2; plus strand). Cytogenetic location: 9p13.3.
Variant type: single nucleotide variant.
Coding change: c.1644C>T on transcript NM_003995.4 (MANE Select); coding-DNA position 1644, C replaced by T.
Protein change: p.Val548=; no amino-acid change (valine 548 retained).
Molecular consequence: synonymous variant.
Genome position (GRCh38, 1-based): chr9:35,802,217, C>T. VCF-style: chr9-35802217-C-T. GRCh37 (hg19) VCF-style: chr9-35802214-C-T.
Other names: c.1653C>T, p.Val551= (NM_001378923.1).
Identifiers: ClinVar variation 366786 (VCV000366786.9), dbSNP rs772510686, ClinGen allele CA5051771.